The following is an entry in ClinVar:

NM_020361.5(CPA6):c.274C>T (p.Arg92Ter)

Gene: CPA6 (carboxypeptidase A6; minus strand). Cytogenetic location: 8q13.2.
Variant type: single nucleotide variant.
Coding change: c.274C>T on transcript NM_020361.5 (MANE Select); coding-DNA position 274, C replaced by T.
Protein change: p.Arg92Ter; replaces arginine 92 with a stop codon.
Molecular consequence: nonsense.
Genome position (GRCh38, 1-based): chr8:67,517,966, G>A on the plus strand (C>T on the coding strand, the complement: CPA6 is on the minus strand). VCF-style: chr8-67517966-G-A. GRCh37 (hg19) VCF-style: chr8-68430201-G-A.
Other names: short protein forms R92*.
Identifiers: ClinVar variation 933269 (VCV000933269.7), dbSNP rs774401459, ClinGen allele CA4773023.

ClinVar aggregate classification (germline): Uncertain significance (1 of 4 stars; one submission).

Conditions:
Febrile seizures, familial, 11 (FEB11). Also called: CONVULSIONS, FAMILIAL FEBRILE, 11. Identifiers: MedGen C3280734, MONDO:0024566, OMIM 614418.

Allele frequency attached by ClinVar (database versions not stated): ExAC 0.00001; gnomAD exomes 0.00001; TOPMed 0.00003; gnomAD 0.00005 and 0.00006.

Submission:

Labcorp Genetics (formerly Invitae), Labcorp
Classification: Uncertain significance for Febrile seizures, familial, 11. Last evaluated: 2019-07-17. Review status: criteria provided, single submitter. Criteria: Invitae Variant Classification Sherloc (09022015). Collection method: clinical testing. Allele origin: germline.
Comment: This variant has not been reported in the literature in individuals with CPA6-related conditions. The current clinical and genetic evidence is not sufficient to establish whether loss-of-function variants in CPA6 cause disease. In summary, the available evidence is currently insufficient to determine the role of this variant in disease. Therefore, it has been classified as a Variant of Uncertain Significance. This variant is present in population databases (rs774401459, ExAC 0.002%). This sequence change creates a premature translational stop signal (p.Arg92*) in the CPA6 gene. It is expected to result in an absent or disrupted protein product.